The following is an entry in ClinVar:

ClinVar aggregate classification (germline): Likely pathogenic (1 of 4 stars; one submission).

Submission:

Labcorp Genetics (formerly Invitae), Labcorp
Classification: Likely pathogenic. Last evaluated: 2024-10-16. Review status: criteria provided, single submitter. Criteria: Invitae Variant Classification Sherloc (09022015). Collection method: clinical testing. Allele origin: germline.
Comment: This variant results in the deletion of part of exon 21 (c.2447-26_2450del) of the FBXO11 gene. It is expected to disrupt RNA splicing. Variants that disrupt the donor or acceptor splice site typically lead to a loss of protein function (PMID: 16199547), and loss-of-function variants in FBXO11 are known to be pathogenic (PMID: 30057029, 30679813). This variant is not present in population databases (gnomAD no frequency). This variant has not been reported in the literature in individuals affected with FBXO11-related conditions. ClinVar contains an entry for this variant (Variation ID: 1516600). In summary, the currently available evidence indicates that the variant is pathogenic, but additional data are needed to prove that conclusively. Therefore, this variant has been classified as Likely Pathogenic.

Literature cited by the submitters: PubMed 16199547; PubMed 30057029; PubMed 30679813.

NM_001190274.2(FBXO11):c.2447-26_2450del

Genes: FBXO11 (F-box protein 11; minus strand), MSH6 (mutS homolog 6; plus strand). Cytogenetic location: 2p16.3.
Variant type: Deletion.
Coding change: c.2447-26_2450del on transcript NM_001190274.2 (MANE Select); 26 bases into the intron before coding-DNA position 2447 through coding-DNA position 2450, 30 bases deleted (TTTACTTATTCTTTCTTTTATTACAGATAA).
Molecular consequence: splice acceptor variant.
Genome position (GRCh38, 1-based): chr2:47,809,263-47,809,292, TTATCTGTAATAAAAGAAAGAATAAGTAAA deleted on the plus strand (TTTACTTATTCTTTCTTTTATTACAGATAA on the coding strand, the reverse complement: FBXO11 is on the minus strand). VCF-style (leftmost placement, unchanged base first): chr2-47809262-GTTATCTGTAATAAAAGAAAGAATAAGTAAA-G. GRCh37 (hg19) VCF-style: chr2-48036401-GTTATCTGTAATAAAAGAAAGAATAAGTAAA-G.
Other names: c.2195-26_2198del (NM_001374325.1, NM_025133.4).
Identifiers: ClinVar variation 1516600 (VCV001516600.6), dbSNP rs2104622223, ClinGen allele CA2573134769.
Genomic context (GRCh38, chr2:47,809,262, plus strand): 5'-ATATAAACATTGGCCTCTACTAACAGCCTTTTCTATGGCATCTTGATTGTTCATTATTTT[GTTATCTGTAATAAAAGAAAGAATAAGTAAA>G]AATTCAGAGGAATGTTAATATTTTAAAAACCAAAGATTATAGGATTATTCTAACAGAAGA-3'